The following is an entry in ClinVar:

NM_000204.5(CFI):c.305A>C (p.Asn102Thr)

Gene: CFI (complement factor I; minus strand). Cytogenetic location: 4q25.
Variant type: single nucleotide variant.
Coding change: c.305A>C on transcript NM_000204.5 (MANE Select); coding-DNA position 305, A replaced by C.
Protein change: p.Asn102Thr; replaces asparagine 102 with threonine.
Molecular consequence: missense variant. On other transcripts: non-coding transcript variant (3), intron variant (1).
Genome position (GRCh38, 1-based): chr4:109,766,577, T>G on the plus strand (A>C on the coding strand, the complement: CFI is on the minus strand). VCF-style: chr4-109766577-T-G. GRCh37 (hg19) VCF-style: chr4-110687733-T-G.
Other names: c.305A>C, p.Asn102Thr (NM_001318057.2, NM_001331035.2, NM_001375278.1 and 10 more transcripts); c.-127-4885A>C (NM_001375284.1); short protein forms N102T.
Identifiers: ClinVar variation 4280517 (VCV004280517.1).

ClinVar aggregate classification (germline): Uncertain significance (1 of 4 stars; one submission).

Conditions:
CFI-related disorder. Also called: CFI-related condition; CFI-related disorders. Identifiers: MedGen CN239325.

Submission:

Genomenon, Inc
Classification: Uncertain significance for CFI-related disorder. Last evaluated: 2025-09-26. Review status: criteria provided, single submitter. Criteria: Genomenon Sequence Variant Interpretation Standards - Updated. Collection method: curation. Allele origin: germline. Affected: no.
Comment: CFI p.Asn102Thr (c.305A>C) is a missense variant that changes the amino acid at residue 102 from Asparagine to Threonine. To our knowledge, this variant has not been reported in patients affected with CFI-related disorders in the published literature. Functional studies have been reported; however, the significance of the findings remain unclear (PMID:22393059). It is absent or not present at a significant frequency in gnomAD. In silico models agree that this variant is not damaging. In conclusion, we classify CFI p.Asn102Thr (c.305A>C) as a variant of unknown significance.

Literature cited by the submitters: PubMed 22393059.